The following is an entry in ClinVar:

NM_145698.5(ACBD5):c.1150C>T (p.Arg384Trp)

Gene: ACBD5 (acyl-CoA binding domain containing 5; minus strand). Cytogenetic location: 10p12.1.
Variant type: single nucleotide variant.
Coding change: c.1150C>T on transcript NM_145698.5 (MANE Select); coding-DNA position 1150, C replaced by T.
Protein change: p.Arg384Trp; replaces arginine 384 with tryptophan.
Molecular consequence: missense variant.
Genome position (GRCh38, 1-based): chr10:27,210,868, G>A on the plus strand (C>T on the coding strand, the complement: ACBD5 is on the minus strand). VCF-style: chr10-27210868-G-A. GRCh37 (hg19) VCF-style: chr10-27499797-G-A.
Other names: c.1045C>T, p.Arg349Trp (NM_001042473.4, NM_001352577.2, NM_001352578.2 and 1 more transcripts); c.1144C>T, p.Arg382Trp (NM_001271512.3); c.823C>T, p.Arg275Trp (NM_001301251.2, NM_001301252.2, NM_001301253.2 and 2 more transcripts); c.619C>T, p.Arg207Trp (NM_001301254.2); c.1204C>T, p.Arg402Trp (NM_001352568.1); c.1183C>T, p.Arg395Trp (NM_001352569.1); c.1150C>T, p.Arg384Trp (NM_001352570.1); c.1177C>T, p.Arg393Trp (NM_001352571.1); and 11 more; short protein forms R275W, R281W, R316W, R327W, R382W, R391W, R393W, R314W.
Identifiers: ClinVar variation 839255 (VCV000839255.7), dbSNP rs149955149, ClinGen allele CA5450741.

ClinVar aggregate classification (germline): Uncertain significance. Review status: criteria provided, multiple submitters, no conflicts (2 of 4 stars). 2 submissions from 2 submitters: Uncertain significance (2). Last evaluated 2025-01-13.

Conditions:
Inborn genetic diseases. Identifiers: MedGen C0950123, MeSH D030342.

Allele frequency attached by ClinVar (database versions not stated): ExAC 0.00007; gnomAD exomes 0.00008 and 0.00011; gnomAD 0.00012 and 0.00013; ESP Exome Variant Server 0.00015; TOPMed 0.00015.
gnomAD v4.1: 187 of 1,614,022 alleles (0.012%); highest among the groups gnomAD compares: Non-Finnish European, 0.014%; no homozygotes.

Submissions (2):

Labcorp Genetics (formerly Invitae), Labcorp
Classification: Uncertain significance. Last evaluated: 2025-01-13. Review status: criteria provided, single submitter. Criteria: Invitae Variant Classification Sherloc (09022015). Collection method: clinical testing. Allele origin: germline.
Comment: This sequence change replaces arginine, which is basic and polar, with tryptophan, which is neutral and slightly polar, at codon 384 of the ACBD5 protein (p.Arg384Trp). This variant is present in population databases (rs149955149, gnomAD 0.01%). This variant has not been reported in the literature in individuals affected with ACBD5-related conditions. ClinVar contains an entry for this variant (Variation ID: 839255). Invitae Evidence Modeling of protein sequence and biophysical properties (such as structural, functional, and spatial information, amino acid conservation, physicochemical variation, residue mobility, and thermodynamic stability) indicates that this missense variant is not expected to disrupt ACBD5 protein function with a negative predictive value of 80%. In summary, the available evidence is currently insufficient to determine the role of this variant in disease. Therefore, it has been classified as a Variant of Uncertain Significance.

Ambry Genetics
Classification: Uncertain significance for Inborn genetic diseases. Last evaluated: 2021-07-20. Review status: criteria provided, single submitter. Criteria: Ambry Variant Classification Scheme 2023. Collection method: clinical testing. Allele origin: germline.